The following is an entry in ClinVar:

NM_002693.3(POLG):c.2324A>G (p.Glu775Gly)

Gene: POLG (DNA polymerase gamma, catalytic subunit; minus strand). Cytogenetic location: 15q26.1.
Variant type: single nucleotide variant.
Coding change: c.2324A>G on transcript NM_002693.3 (MANE Select); coding-DNA position 2324, A replaced by G.
Protein change: p.Glu775Gly; replaces glutamic acid 775 with glycine.
Molecular consequence: missense variant.
Genome position (GRCh38, 1-based): chr15:89,322,844, T>C on the plus strand (A>G on the coding strand, the complement: POLG is on the minus strand). VCF-style: chr15-89322844-T-C. GRCh37 (hg19) VCF-style: chr15-89866075-T-C.
Other names: c.2324A>G, p.Glu775Gly (NM_001126131.2); short protein forms E775G.
Identifiers: ClinVar variation 1375188 (VCV001375188.6), dbSNP rs2152062411, ClinGen allele CA393756473.

ClinVar aggregate classification (germline): Uncertain significance (1 of 4 stars; one submission).

Conditions:
Progressive sclerosing poliodystrophy (MTDPS4A). Also called: Mitochondrial DNA depletion syndrome 4A (Alpers type); ALPERS PROGRESSIVE INFANTILE POLIODYSTROPHY; NEURONAL DEGENERATION OF CHILDHOOD WITH LIVER DISEASE, PROGRESSIVE; Mitochondrial DNA Depletion Syndrome 4A; Alpers-Huttenlocher Syndrome (AHS); Alpers Syndrome. Identifiers: Orphanet 726, MedGen C0205710, MONDO:0008758, OMIM 203700.

Submission:

Labcorp Genetics (formerly Invitae), Labcorp
Classification: Uncertain significance for Progressive sclerosing poliodystrophy. Last evaluated: 2021-08-15. Review status: criteria provided, single submitter. Criteria: Invitae Variant Classification Sherloc (09022015). Collection method: clinical testing. Allele origin: germline.
Comment: Algorithms developed to predict the effect of missense changes on protein structure and function are either unavailable or do not agree on the potential impact of this missense change (SIFT: "Deleterious"; PolyPhen-2: "Probably Damaging"; Align-GVGD: "Class C0"). In summary, the available evidence is currently insufficient to determine the role of this variant in disease. Therefore, it has been classified as a Variant of Uncertain Significance. This variant has not been reported in the literature in individuals affected with POLG-related conditions. This variant is not present in population databases (ExAC no frequency). This sequence change replaces glutamic acid with glycine at codon 775 of the POLG protein (p.Glu775Gly). The glutamic acid residue is highly conserved and there is a moderate physicochemical difference between glutamic acid and glycine.